The following is an entry in ClinVar:

NM_144573.4(NEXN):c.324A>G (p.Glu108=)

Genes: NEXN (nexilin F-actin binding protein; plus strand), LOC126805765 (BRD4-independent group 4 enhancer GRCh37_chr1:78383688-78384887; plus strand). Cytogenetic location: 1p31.1.
Variant type: single nucleotide variant.
Coding change: c.324A>G on transcript NM_144573.4 (MANE Select); coding-DNA position 324, A replaced by G.
Protein change: p.Glu108=; no amino-acid change (glutamic acid 108 retained).
Molecular consequence: synonymous variant.
Genome position (GRCh38, 1-based): chr1:77,918,150, A>G. VCF-style: chr1-77918150-A-G. GRCh37 (hg19) VCF-style: chr1-78383835-A-G.
Other names: c.132A>G, p.Glu44= (NM_001172309.2).
Identifiers: ClinVar variation 3895239 (VCV003895239.2).

ClinVar aggregate classification (germline): Likely benign. Review status: criteria provided, multiple submitters, no conflicts (2 of 4 stars). 2 submissions from 2 submitters: Likely benign (2). Last evaluated 2025-04-09.

gnomAD v4.1: 4 of 1,613,952 alleles (0.00025%); highest among the groups gnomAD compares: Non-Finnish European, 0.00034%; no homozygotes.

Submissions (2):

Molecular Diagnostic Laboratory for Inherited Cardiovascular Disease, Montreal Heart Institute
Classification: Likely benign. Last evaluated: 2025-04-09. Review status: criteria provided, single submitter. Criteria: ACMG Guidelines, 2015. Collection method: clinical testing. Allele origin: germline. Affected: no.
Comment: BP7

Blueprint Genetics
Classification: Likely benign. Last evaluated: 2021-04-13. Review status: criteria provided, single submitter. Criteria: ACMG Guidelines, 2015. Collection method: clinical testing. Allele origin: germline.